The following is an entry in ClinVar:

NM_000059.4(BRCA2):c.957T>C (p.Asn319=)

Gene: BRCA2 (BRCA2 DNA repair associated; plus strand). Cytogenetic location: 13q13.1.
Variant type: single nucleotide variant.
Coding change: c.957T>C on transcript NM_000059.4 (MANE Select); coding-DNA position 957, T replaced by C.
Protein change: p.Asn319=; no amino-acid change (asparagine 319 retained).
Molecular consequence: synonymous variant.
Genome position (GRCh38, 1-based): chr13:32,332,435, T>C. VCF-style: chr13-32332435-T-C. GRCh37 (hg19) VCF-style: chr13-32906572-T-C.
Identifiers: ClinVar variation 427467 (VCV000427467.7), dbSNP rs776059220, ClinGen allele CA6940478.

ClinVar aggregate classification (germline): Likely benign. Review status: reviewed by expert panel (3 of 4 stars). 2 submissions from 2 submitters: Likely benign (1). 1 of the submissions does not count toward it. Last evaluated 2017-06-29.

Conditions:
Hereditary cancer-predisposing syndrome. Also called: Hereditary neoplastic syndrome; Hereditary Cancer Syndrome; Neoplastic Syndromes, Hereditary; Tumor predisposition. Identifiers: Orphanet 140162, MedGen C0027672, MeSH D009386, MONDO:0015356.
Breast-ovarian cancer, familial, susceptibility to, 2 (BROVCA2). Also called: BRCA2 Hereditary Breast and Ovarian Cancer. Identifiers: Orphanet 145, MedGen C2675520, MONDO:0012933, OMIM 612555. Disease mechanism: loss of function.

Allele frequency attached by ClinVar (database versions not stated): gnomAD exomes below 0.00001; ExAC 0.00001.
gnomAD v4.1: 1 of 1,589,726 alleles (0.000063%); highest among the groups gnomAD compares: Non-Finnish European, 0.000085%; no homozygotes.

Submissions (2):

Evidence-based Network for the Interpretation of Germline Mutant Alleles (ENIGMA)
Classification: Likely benign for Breast-ovarian cancer, familial, susceptibility to, 2. Last evaluated: 2017-06-29. Review status: reviewed by expert panel. Criteria: ENIGMA BRCA1/2 Classification Criteria (2017-06-29). Collection method: curation. Allele origin: germline.
Comment: Synonymous substitution variant, with low bioinformatic likelihood to result in a splicing aberration (Splicing prior probability 0.02).

Ambry Genetics
Classification: Likely benign for Hereditary cancer-predisposing syndrome. Last evaluated: 2017-05-10. Review status: criteria provided, single submitter. Criteria: Ambry Variant Classification Scheme 2023. Collection method: clinical testing. Allele origin: germline. Not counted in ClinVar's aggregate classification.